The following is an entry in ClinVar:

NM_000342.4(SLC4A1):c.1513G>A (p.Val505Met)

Gene: SLC4A1 (solute carrier family 4 member 1 (Diego blood group); minus strand). Cytogenetic location: 17q21.31.
Variant type: single nucleotide variant.
Coding change: c.1513G>A on transcript NM_000342.4 (MANE Select); coding-DNA position 1513, G replaced by A.
Protein change: p.Val505Met; replaces valine 505 with methionine.
Molecular consequence: missense variant.
Genome position (GRCh38, 1-based): chr17:44,257,463, C>T on the plus strand (G>A on the coding strand, the complement: SLC4A1 is on the minus strand). VCF-style: chr17-44257463-C-T. GRCh37 (hg19) VCF-style: chr17-42334831-C-T.
Other names: c.1513G>A (NM_000342.3); short protein forms V505M.
Identifiers: ClinVar variation 3582110 (VCV003582110.4).
Genomic context (GRCh38, chr17:44,257,463, plus strand): 5'-AGAAGATCTCCTGGGTATAGCGGGAGATGAAGCGGACCAGGAAGCTACCCTCGAAGGCCA[C>T]CACCAACACCACCAGCAGGATGAGCCAGAAGCCGATCCACACGCGGCCCACGATGTACTC-3'
Protein context (NP_000333.1, residues 495-515): FWLILLVVLV[Val505Met]AFEGSFLVRF

ClinVar aggregate classification (germline): Uncertain significance. Review status: criteria provided, multiple submitters, no conflicts (2 of 4 stars). 3 submissions from 3 submitters: Uncertain significance (3). Last evaluated 2025-09-17.

Conditions:
Hereditary spherocytosis type 4. Also called: SLC4A1-Related Spherocytosis. Identifiers: Orphanet 822, MedGen C2675212, MONDO:0012981, OMIM 612653.
BLOOD GROUP--SWANN SYSTEM (SW). Also called: SWANN BLOOD GROUP. Identifiers: MedGen C1832169, OMIM 601550.
BLOOD GROUP, WALDNER (WD). Also called: WALDNER BLOOD GROUP ANTIGEN. Identifiers: MedGen C1862191, OMIM 112010.
Southeast Asian ovalocytosis. Also called: Stomatocytic elliptocytosis, hereditary; Ovalocytosis, Malaysian-Melanesian-Filipino type; Elliptocytosis 4; HE, STOMATOCYTIC. Identifiers: Orphanet 98868, MedGen C1862322, MONDO:0008165, OMIM 166900.
Autosomal dominant distal renal tubular acidosis (DRTA1). Also called: RENAL TUBULAR ACIDOSIS, DISTAL, 1; RTA, CLASSIC TYPE; RTA, DISTAL TYPE, AUTOSOMAL DOMINANT; RTA, GRADIENT TYPE; Renal Tubular Acidosis, Type I. Identifiers: Orphanet 93608, MedGen CN280572, MONDO:0008368, OMIM 179800.
BLOOD GROUP--DIEGO SYSTEM (DI). Identifiers: MedGen C1292286, OMIM 110500.
BLOOD GROUP--WRIGHT ANTIGEN (WR). Identifiers: MedGen C1862190, OMIM 112050.
Malaria, susceptibility to. Identifiers: Orphanet 673, MedGen C1970028, MONDO:0021024, OMIM 611162.
Cryohydrocytosis. Also called: STOMATOCYTOSIS, COLD-SENSITIVE; CRYOHYDROCYTOSIS DUE TO BAND 3 HEMEL; CRYOHYDROCYTOSIS DUE TO BAND 3 HURSTPIERPOINT; CRYOHYDROCYTOSIS DUE TO BAND 3 BLACKBURN; Hereditary cryohydrocytosis with normal stomatin. Identifiers: Orphanet 398088, MedGen C1861453, MONDO:0008494, OMIM 185020.
Renal tubular acidosis, distal, 4, with hemolytic anemia. Also called: Renal Tubular Acidosis, Distal, with Hemolytic Anemia. Identifiers: Orphanet 93610, MedGen C5436235, MONDO:0012700, OMIM 611590.
BLOOD GROUP--FROESE (FR). Also called: FROESE BLOOD GROUP ANTIGEN. Identifiers: MedGen C1832168, OMIM 601551.
Inborn genetic diseases. Identifiers: MedGen C0950123, MeSH D030342.

Submissions (3):

Labcorp Genetics (formerly Invitae), Labcorp
Classification: Uncertain significance. Last evaluated: 2025-09-17. Review status: criteria provided, single submitter. Criteria: Invitae Variant Classification Sherloc (09022015). Collection method: clinical testing. Allele origin: germline.
Comment: This sequence change replaces valine, which is neutral and non-polar, with methionine, which is neutral and non-polar, at codon 505 of the SLC4A1 protein (p.Val505Met). This variant is present in population databases (rs761518956, gnomAD 0.003%). This variant has not been reported in the literature in individuals affected with SLC4A1-related conditions. ClinVar contains an entry for this variant (Variation ID: 3582110). Invitae Evidence Modeling of protein sequence and biophysical properties (such as structural, functional, and spatial information, amino acid conservation, physicochemical variation, residue mobility, and thermodynamic stability) indicates that this missense variant is not expected to disrupt SLC4A1 protein function with a negative predictive value of 80%. In summary, the available evidence is currently insufficient to determine the role of this variant in disease. Therefore, it has been classified as a Variant of Uncertain Significance.

Ambry Genetics
Classification: Uncertain significance for Inborn genetic diseases. Last evaluated: 2025-08-09. Review status: criteria provided, single submitter. Criteria: Ambry Variant Classification Scheme 2023. Collection method: clinical testing. Allele origin: germline.

Fulgent Genetics
Classification: Uncertain significance for BLOOD GROUP--DIEGO SYSTEM; BLOOD GROUP, WALDNER; BLOOD GROUP--WRIGHT ANTIGEN; Southeast Asian ovalocytosis; Autosomal dominant distal renal tubular acidosis; Cryohydrocytosis; BLOOD GROUP--SWANN SYSTEM; BLOOD GROUP--FROESE; Malaria, susceptibility to; Renal tubular acidosis, distal, 4, with hemolytic anemia; Hereditary spherocytosis type 4. Last evaluated: 2024-05-21. Review status: criteria provided, single submitter. Criteria: ACMG Guidelines, 2015. Collection method: clinical testing. Allele origin: germline.